The following is an entry in ClinVar:

ClinVar aggregate classification (germline): Uncertain significance (1 of 4 stars; one submission).

Conditions:
Hereditary cancer-predisposing syndrome. Also called: Hereditary neoplastic syndrome; Hereditary Cancer Syndrome; Neoplastic Syndromes, Hereditary; Tumor predisposition. Identifiers: Orphanet 140162, MedGen C0027672, MeSH D009386, MONDO:0015356.

Submission:

Ambry Genetics
Classification: Uncertain significance for Hereditary cancer-predisposing syndrome. Last evaluated: 2023-04-18. Review status: criteria provided, single submitter. Criteria: Ambry Variant Classification Scheme 2023. Collection method: clinical testing. Allele origin: germline.
Comment: The p.L1618I variant (also known as c.4852C>A), located in coding exon 15 of the APC gene, results from a C to A substitution at nucleotide position 4852. The leucine at codon 1618 is replaced by isoleucine, an amino acid with highly similar properties. This amino acid position is conserved. In addition, in silico predictors for this gene do not accurately predict pathogenicity. Since supporting evidence is limited at this time, the clinical significance of this alteration remains unclear.

NM_000038.6(APC):c.4852C>A (p.Leu1618Ile)

Gene: APC (APC regulator of Wnt signaling pathway; plus strand). Cytogenetic location: 5q22.2.
Variant type: single nucleotide variant.
Coding change: c.4852C>A on transcript NM_000038.6 (MANE Select); coding-DNA position 4852, C replaced by A.
Protein change: p.Leu1618Ile; replaces leucine 1618 with isoleucine.
Molecular consequence: missense variant. On other transcripts: non-coding transcript variant (2).
Genome position (GRCh38, 1-based): chr5:112,840,446, C>A. VCF-style: chr5-112840446-C-A. GRCh37 (hg19) VCF-style: chr5-112176143-C-A.
Other names: c.4852C>A, p.Leu1618Ile (NM_001127510.3, NM_001354895.2, NM_001407450.1); c.4798C>A, p.Leu1600Ile (NM_001127511.3); c.4906C>A, p.Leu1636Ile (NM_001354896.2, NM_001407447.1, NM_001407448.1 and 1 more transcripts); c.4882C>A, p.Leu1628Ile (NM_001354897.2); c.4777C>A, p.Leu1593Ile (NM_001354898.2); c.4768C>A, p.Leu1590Ile (NM_001354899.2); c.4729C>A, p.Leu1577Ile (NM_001354900.2); c.4675C>A, p.Leu1559Ile (NM_001354901.2, NM_001407453.1); and 11 more; short protein forms L1234I, L1492I, L1628I, L1517I, L1527I, L1559I, L1577I, L1593I.
Identifiers: ClinVar variation 2566979 (VCV002566979.2), dbSNP rs1554086245, ClinGen allele CA16031961.